The following is an entry in ClinVar:

NM_005045.4(RELN):c.113T>A (p.Phe38Tyr)

Gene: RELN (reelin; minus strand). Cytogenetic location: 7q22.1.
Variant type: single nucleotide variant.
Coding change: c.113T>A on transcript NM_005045.4 (MANE Select); coding-DNA position 113, T replaced by A.
Protein change: p.Phe38Tyr; replaces phenylalanine 38 with tyrosine.
Molecular consequence: missense variant.
Genome position (GRCh38, 1-based): chr7:103,989,244, A>T on the plus strand (T>A on the coding strand, the complement: RELN is on the minus strand). VCF-style: chr7-103989244-A-T. GRCh37 (hg19) VCF-style: chr7-103629691-A-T.
Other names: c.113T>A, p.Phe38Tyr (NM_173054.3); short protein forms F38Y.
Identifiers: ClinVar variation 358422 (VCV000358422.19), dbSNP rs149715692, ClinGen allele CA4422715.

ClinVar aggregate classification (germline): Uncertain significance. Review status: criteria provided, multiple submitters, no conflicts (2 of 4 stars). 4 submissions from 4 submitters: Uncertain significance (4). Last evaluated 2025-08-13.

Conditions:
Norman-Roberts syndrome (LIS2). Also called: Lissencephaly 2 (Norman-Roberts type). Identifiers: Orphanet 89844, MedGen C0796089, MONDO:0009760, OMIM 257320.
Familial temporal lobe epilepsy 7. Identifiers: Orphanet 101046, MedGen C4225327, MONDO:0014639, OMIM 616436.
Inborn genetic diseases. Identifiers: MedGen C0950123, MeSH D030342.

Allele frequency attached by ClinVar (database versions not stated): ExAC 0.00003; gnomAD exomes 0.00005 and 0.00014; ESP Exome Variant Server 0.00008; TOPMed 0.00009; gnomAD 0.00012.
gnomAD v4.1: 232 of 1,613,886 alleles (0.014%); highest among the groups gnomAD compares: Non-Finnish European, 0.018%; no homozygotes.

Submissions (4):

Ambry Genetics
Classification: Uncertain significance for Inborn genetic diseases. Last evaluated: 2025-08-13. Review status: criteria provided, single submitter. Criteria: Ambry Variant Classification Scheme 2023. Collection method: clinical testing. Allele origin: germline.

Labcorp Genetics (formerly Invitae), Labcorp
Classification: Uncertain significance for Familial temporal lobe epilepsy 7; Norman-Roberts syndrome. Last evaluated: 2025-06-12. Review status: criteria provided, single submitter. Criteria: Invitae Variant Classification Sherloc (09022015). Collection method: clinical testing. Allele origin: germline.
Comment: This sequence change replaces phenylalanine, which is neutral and non-polar, with tyrosine, which is neutral and polar, at codon 38 of the RELN protein (p.Phe38Tyr). This variant is present in population databases (rs149715692, gnomAD 0.01%). This variant has not been reported in the literature in individuals affected with RELN-related conditions. ClinVar contains an entry for this variant (Variation ID: 358422). Invitae Evidence Modeling of protein sequence and biophysical properties (such as structural, functional, and spatial information, amino acid conservation, physicochemical variation, residue mobility, and thermodynamic stability) indicates that this missense variant is not expected to disrupt RELN protein function with a negative predictive value of 80%. In summary, the available evidence is currently insufficient to determine the role of this variant in disease. Therefore, it has been classified as a Variant of Uncertain Significance.

Mayo Clinic Laboratories, Mayo Clinic
Classification: Uncertain significance. Last evaluated: 2020-05-01. Review status: criteria provided, single submitter. Criteria: ACMG Guidelines, 2015. Collection method: clinical testing. Allele origin: germline. Observed: 1 variant allele.

Illumina Laboratory Services, Illumina
Classification: Uncertain significance for Norman-Roberts syndrome. Last evaluated: 2018-01-12. Review status: criteria provided, single submitter. Criteria: ICSL Variant Classification Criteria 13 December 2019. Collection method: clinical testing. Allele origin: germline.